The following is an entry in ClinVar:

NM_001267550.2(TTN):c.36192T>G (p.Leu12064=)

Gene: TTN (titin; minus strand). Cytogenetic location: 2q31.2.
Variant type: single nucleotide variant.
Coding change: c.36192T>G on transcript NM_001267550.2 (MANE Select); coding-DNA position 36192, T replaced by G.
Protein change: p.Leu12064=; no amino-acid change (leucine 12064 retained).
Molecular consequence: synonymous variant. On other transcripts: intron variant (5).
Genome position (GRCh38, 1-based): chr2:178,664,664, A>C on the plus strand (T>G on the coding strand, the complement: TTN is on the minus strand). VCF-style: chr2-178664664-A-C. GRCh37 (hg19) VCF-style: chr2-179529391-A-C.
Other names: c.13283-22347T>G (NM_003319.4); c.13859-22347T>G (NM_133437.4); c.13658-22347T>G (NM_133432.3); c.31484-1609T>G (NM_133378.4); c.34265-1609T>G (NM_001256850.1).
Identifiers: ClinVar variation 4085341 (VCV004085341.8).
Genomic context (GRCh38, chr2:178,664,664, plus strand): 5'-ATACAAGAAAAGACATGTTCCCACCCCTCTAAGCTTCCAGCAAGATATACCTTCATCAGG[A>C]AGGACTTCAGGCTTTCTGAGAGGAACCACAAGCGTTTTCTTTTCAGGGACAATTTCTTGG-3'
Protein context (NP_001254479.2, residues 12054-12074): LVVPLRKPEV[Leu12064=]PDEVPEALRE

ClinVar aggregate classification (germline): Likely benign (1 of 4 stars; one submission).

gnomAD v4.1: 1 of 1,612,272 alleles (0.000062%); highest among the groups gnomAD compares: South Asian, 0.0011%; no homozygotes.

Submission:

CeGaT Center for Human Genetics Tuebingen
Classification: Likely benign. Last evaluated: 2025-06-01. Review status: criteria provided, single submitter. Criteria: CeGaT Center For Human Genetics Tuebingen Variant Classification Criteria Version 2. Collection method: clinical testing. Allele origin: germline. Affected: yes. Observed: 1 variant allele.
Comment: TTN: BP4, BP7